The following is an entry in ClinVar:

ClinVar aggregate classification (germline): Uncertain significance (1 of 4 stars; one submission).

Conditions:
Hereditary sensory neuropathy-deafness-dementia syndrome. Also called: Hereditary Sensory and Autonomic Neuropathy Type 1E (HSAN1E); HSN IE; Hereditary sensory neuropathy type IE; NEUROPATHY, HEREDITARY SENSORY, WITH HEARING LOSS AND DEMENTIA. Identifiers: Orphanet 456318, MedGen C3279885, MONDO:0013584, OMIM 614116.

Submission:

Labcorp Genetics (formerly Invitae), Labcorp
Classification: Uncertain significance for Hereditary sensory neuropathy-deafness-dementia syndrome. Last evaluated: 2023-11-02. Review status: criteria provided, single submitter. Criteria: Invitae Variant Classification Sherloc (09022015). Collection method: clinical testing. Allele origin: germline.
Comment: This sequence change replaces alanine, which is neutral and non-polar, with valine, which is neutral and non-polar, at codon 1505 of the DNMT1 protein (p.Ala1505Val). This variant is not present in population databases (gnomAD no frequency). This variant has not been reported in the literature in individuals affected with DNMT1-related conditions. ClinVar contains an entry for this variant (Variation ID: 1525432). Advanced modeling of protein sequence and biophysical properties (such as structural, functional, and spatial information, amino acid conservation, physicochemical variation, residue mobility, and thermodynamic stability) has been performed at Invitae for this missense variant, however the output from this modeling did not meet the statistical confidence thresholds required to predict the impact of this variant on DNMT1 protein function. In summary, the available evidence is currently insufficient to determine the role of this variant in disease. Therefore, it has been classified as a Variant of Uncertain Significance.

NM_001130823.3(DNMT1):c.4514C>T (p.Ala1505Val)

Genes: DNMT1 (DNA methyltransferase 1; minus strand), LOC126862853 (CDK7 strongly-dependent group 2 enhancer GRCh37_chr19:10246117-10247316; plus strand). Cytogenetic location: 19p13.2.
Variant type: single nucleotide variant.
Coding change: c.4514C>T on transcript NM_001130823.3 (MANE Select); coding-DNA position 4514, C replaced by T.
Protein change: p.Ala1505Val; replaces alanine 1505 with valine.
Molecular consequence: missense variant.
Genome position (GRCh38, 1-based): chr19:10,136,263, G>A on the plus strand (C>T on the coding strand, the complement: DNMT1 is on the minus strand). VCF-style: chr19-10136263-G-A. GRCh37 (hg19) VCF-style: chr19-10246939-G-A.
Other names: c.4475C>T, p.Ala1492Val (NM_001318730.2); c.4151C>T, p.Ala1384Val (NM_001318731.2); c.4466C>T, p.Ala1489Val (NM_001379.4); short protein forms A1384V, A1505V, A1489V, A1492V.
Identifiers: ClinVar variation 1525432 (VCV001525432.6), dbSNP rs1194509546, ClinGen allele CA403968522.